The following is an entry in ClinVar:

ClinVar aggregate classification (germline): Uncertain significance (1 of 4 stars; one submission).

gnomAD v4.1: 1 of 1,613,762 alleles (0.000062%); highest among the groups gnomAD compares: Non-Finnish European, 0.000085%; no homozygotes.

Submission:

GeneDx
Classification: Uncertain significance. Last evaluated: 2026-02-08. Review status: criteria provided, single submitter. Criteria: GeneDx Variant Classification Process June 2021. Collection method: clinical testing. Allele origin: germline.
Comment: Not observed at significant frequency in large population cohorts (gnomAD); In silico analysis suggests that this missense variant does not alter protein structure/function; Has not been previously published as pathogenic or benign to our knowledge

NM_001270.4(CHD1):c.784G>A (p.Asp262Asn)

Gene: CHD1 (chromodomain helicase DNA binding protein 1; minus strand). Cytogenetic location: 5q21.1.
Variant type: single nucleotide variant.
Coding change: c.784G>A on transcript NM_001270.4 (MANE Select); coding-DNA position 784, G replaced by A.
Protein change: p.Asp262Asn; replaces aspartic acid 262 with asparagine.
Molecular consequence: missense variant. On other transcripts: non-coding transcript variant (2).
Genome position (GRCh38, 1-based): chr5:98,900,886, C>T on the plus strand (G>A on the coding strand, the complement: CHD1 is on the minus strand). VCF-style: chr5-98900886-C-T. GRCh37 (hg19) VCF-style: chr5-98236590-C-T.
Other names: c.784G>A, p.Asp262Asn (NM_001364113.3, NM_001376194.2); short protein forms D262N.
Identifiers: ClinVar variation 4976328 (VCV004976328.1).